The following is an entry in ClinVar:

NM_007126.5(VCP):c.723C>G (p.Ile241Met)

Gene: VCP (valosin containing protein; minus strand). Cytogenetic location: 9p13.3.
Variant type: single nucleotide variant.
Coding change: c.723C>G on transcript NM_007126.5 (MANE Select); coding-DNA position 723, C replaced by G.
Protein change: p.Ile241Met; replaces isoleucine 241 with methionine.
Molecular consequence: missense variant.
Genome position (GRCh38, 1-based): chr9:35,063,066, G>C on the plus strand (C>G on the coding strand, the complement: VCP is on the minus strand). VCF-style: chr9-35063066-G-C. GRCh37 (hg19) VCF-style: chr9-35063063-G-C.
Other names: c.588C>G, p.Ile196Met (NM_001354927.2, NM_001354928.2); short protein forms I196M, I241M.
Identifiers: ClinVar variation 4782737 (VCV004782737.1).

ClinVar aggregate classification (germline): Uncertain significance (1 of 4 stars; one submission).

Conditions:
Inclusion body myopathy with Paget disease of bone and frontotemporal dementia. Also called: Inclusion body myopathy with early-onset Paget disease and frontotemporal dementia. Identifiers: Orphanet 52430, MedGen C1833662, MONDO:0000507.
Frontotemporal dementia and/or amyotrophic lateral sclerosis 6 (FTDALS6). Also called: VCP-Related Amyotrophic Lateral Sclerosis; VCP-Related Amyotrophic Lateral Sclerosis/Frontotemporal Dementia. Identifiers: Orphanet 275872, Orphanet 803, MedGen C5436279, MONDO:0013501, OMIM 613954.

Submission:

Labcorp Genetics (formerly Invitae), Labcorp
Classification: Uncertain significance for Inclusion body myopathy with Paget disease of bone and frontotemporal dementia; Frontotemporal dementia and/or amyotrophic lateral sclerosis 6. Last evaluated: 2025-10-29. Review status: criteria provided, single submitter. Criteria: Invitae Variant Classification Sherloc (09022015). Collection method: clinical testing. Allele origin: germline.
Comment: This sequence change replaces isoleucine, which is neutral and non-polar, with methionine, which is neutral and non-polar, at codon 241 of the VCP protein (p.Ile241Met). This variant is not present in population databases (gnomAD no frequency). This variant has not been reported in the literature in individuals affected with VCP-related conditions. Invitae Evidence Modeling of protein sequence and biophysical properties (such as structural, functional, and spatial information, amino acid conservation, physicochemical variation, residue mobility, and thermodynamic stability) indicates that this missense variant is not expected to disrupt VCP protein function with a negative predictive value of 80%. In summary, the available evidence is currently insufficient to determine the role of this variant in disease. Therefore, it has been classified as a Variant of Uncertain Significance.